The following is an entry in ClinVar:

NM_001035.3(RYR2):c.7304T>C (p.Val2435Ala)

Gene: RYR2 (ryanodine receptor 2; plus strand). Cytogenetic location: 1q43.
Variant type: single nucleotide variant.
Coding change: c.7304T>C on transcript NM_001035.3 (MANE Select); coding-DNA position 7304, T replaced by C.
Protein change: p.Val2435Ala; replaces valine 2435 with alanine.
Molecular consequence: missense variant.
Genome position (GRCh38, 1-based): chr1:237,643,409, T>C. VCF-style: chr1-237643409-T-C. GRCh37 (hg19) VCF-style: chr1-237806709-T-C.
Other names: short protein forms V2435A.
Identifiers: ClinVar variation 2861874 (VCV002861874.3), dbSNP rs1479926336, ClinGen allele CA345397021.

ClinVar aggregate classification (germline): Uncertain significance (1 of 4 stars; one submission).

Conditions:
Catecholaminergic polymorphic ventricular tachycardia 1. Also called: VENTRICULAR TACHYCARDIA, STRESS-INDUCED POLYMORPHIC 1; RYR2-Related Catecholaminergic Polymorphic Ventricular Tachycardia; VENTRICULAR TACHYCARDIA, CATECHOLAMINERGIC POLYMORPHIC, 1, WITH OR WITHOUT ATRIAL DYSFUNCTION AND/OR DILATED CARDIOMYOPATHY. Identifiers: Orphanet 3286, MedGen C1631597, MONDO:0011484, OMIM 604772.

Allele frequency attached by ClinVar (database versions not stated): gnomAD exomes below 0.00001; TOPMed below 0.00001.
gnomAD v4.1: 1 of 1,613,862 alleles (0.000062%); highest among the groups gnomAD compares: Admixed American, 0.0017%; no homozygotes.

Submission:

Labcorp Genetics (formerly Invitae), Labcorp
Classification: Uncertain significance for Catecholaminergic polymorphic ventricular tachycardia 1. Last evaluated: 2024-02-12. Review status: criteria provided, single submitter. Criteria: Invitae Variant Classification Sherloc (09022015). Collection method: clinical testing. Allele origin: germline.
Comment: This sequence change replaces valine, which is neutral and non-polar, with alanine, which is neutral and non-polar, at codon 2435 of the RYR2 protein (p.Val2435Ala). This variant is present in population databases (no rsID available, gnomAD 0.003%). This variant has not been reported in the literature in individuals affected with RYR2-related conditions. Advanced modeling of protein sequence and biophysical properties (such as structural, functional, and spatial information, amino acid conservation, physicochemical variation, residue mobility, and thermodynamic stability) performed at Invitae indicates that this missense variant is expected to disrupt RYR2 protein function with a positive predictive value of 95%. In summary, the available evidence is currently insufficient to determine the role of this variant in disease. Therefore, it has been classified as a Variant of Uncertain Significance.